The following is an entry in ClinVar:

GRCh38/hg38 4q13.2(chr4:65873016-68743024)x3

Genes: CENPC (centromere protein C; minus strand), GNRHR (gonadotropin releasing hormone receptor; minus strand), MIR1269A (microRNA 1269a; plus strand), STAP1 (signal transducing adaptor family member 1; plus strand), TMPRSS11A (transmembrane serine protease 11A; minus strand) and 29 more. Cytogenetic location: 4q13.2.
Variant type: copy number gain.
Change: copy number 3 (three copies instead of two) of chr4:65,873,016-68,743,024 (2.87 Mb, GRCh38 coordinates, 1-based), cytogenetic band 4q13.2.
Identifiers: ClinVar variation 57351 (VCV000057351.1).

ClinVar aggregate classification (germline): Uncertain significance (1 of 4 stars; one submission).

Submission:

ISCA site 4
Classification: Uncertain significance. Last evaluated: 2011-08-12. Review status: criteria provided, single submitter. Criteria: Kaminsky et al. (Genet Med. 2011). Collection method: clinical testing. Allele origin: unknown. Affected: yes. Observed: 1 variant allele.
Comment: Copy number variation identified through the course of routine clinical cytogenomic testing in postnatal populations. Clinical assertions have been curated as described in Kaminsky et al. 2011.